The following is an entry in ClinVar:

NM_018897.3(DNAH7):c.691C>T (p.Arg231Ter)

Gene: DNAH7 (dynein axonemal heavy chain 7; minus strand). Cytogenetic location: 2q32.3.
Variant type: single nucleotide variant.
Coding change: c.691C>T on transcript NM_018897.3 (MANE Select); coding-DNA position 691, C replaced by T.
Protein change: p.Arg231Ter; replaces arginine 231 with a stop codon.
Molecular consequence: nonsense.
Genome position (GRCh38, 1-based): chr2:196,024,481, G>A on the plus strand (C>T on the coding strand, the complement: DNAH7 is on the minus strand). VCF-style: chr2-196024481-G-A. GRCh37 (hg19) VCF-style: chr2-196889205-G-A.
Other names: short protein forms R231*.
Identifiers: ClinVar variation 4280066 (VCV004280066.1).
Genomic context (GRCh38, chr2:196,024,481, plus strand): 5'-TCACTTACTCAGCACGATGGGCTGGAAGTTCATCTGTCTTCTTATCATCTCCTTTCTCTC[G>A]AGGATCTTTTAAAACAAAATCAACTAAAAGAAAATTTTAAAATTCTGATAAATAACCTTA-3'

ClinVar aggregate classification (germline): Uncertain significance (1 of 4 stars; one submission).

Conditions:
Primary ciliary dyskinesia 3. Identifiers: Orphanet 244, MedGen C1837618, MONDO:0012085, OMIM 608644.

gnomAD v4.1: 8 of 1,578,520 alleles (0.00051%); highest among the groups gnomAD compares: African/African-American, 0.0055%; no homozygotes.

Submission:

Johns Hopkins Genomics, Johns Hopkins University
Classification: Uncertain significance for Primary ciliary dyskinesia 3. Last evaluated: 2025-02-03. Review status: criteria provided, single submitter. Criteria: ACMG Guidelines, 2015. Collection method: clinical testing. Allele origin: germline.
Comment: This DNAH7 nonsense variant (rs763918784) is rare (<0.1%) in a large population dataset (gnomADv4.1.0: 8/1578520 total alleles; 0.0005%; no homozygotes). It has not been reported in ClinVar nor in the literature in individuals with primary ciliary dyskinesia 50, to our knowledge. This variant results in a premature stop codon in exon 8 of 65 likely leading to nonsense-mediated decay and lack of protein production. Multiple individuals who carry similar DNAH7 variants predicted to lead to nonsense-mediated decay in the homozygous state have been reported in a large population database. Due to the inconclusive evidence that these loss of function variants cause primary ciliary dyskinesia 50, we consider the clinical significance of DNAH7 c.691C>T to be uncertain at this time.